The following is an entry in ClinVar:

ClinVar aggregate classification (germline): Uncertain significance (1 of 4 stars; one submission).

Conditions:
Cardiovascular phenotype. Identifiers: MedGen CN230736.

Submission:

Ambry Genetics
Classification: Uncertain significance for Cardiovascular phenotype. Last evaluated: 2024-05-11. Review status: criteria provided, single submitter. Criteria: Ambry Variant Classification Scheme 2023. Collection method: clinical testing. Allele origin: germline.
Comment: The p.P35H variant (also known as c.104C>A), located in coding exon 1 of the RBM20 gene, results from a C to A substitution at nucleotide position 104. The proline at codon 35 is replaced by histidine, an amino acid with similar properties. This amino acid position is conserved. In addition, the in silico prediction for this alteration is inconclusive. Based on the available evidence, the clinical significance of this variant remains unclear.

NM_001134363.3(RBM20):c.104C>A (p.Pro35His)

Gene: RBM20 (RNA binding motif protein 20; plus strand). Cytogenetic location: 10q25.2.
Variant type: single nucleotide variant.
Coding change: c.104C>A on transcript NM_001134363.3 (MANE Select); coding-DNA position 104, C replaced by A.
Protein change: p.Pro35His; replaces proline 35 with histidine.
Molecular consequence: missense variant.
Genome position (GRCh38, 1-based): chr10:110,644,558, C>A. VCF-style: chr10-110644558-C-A. GRCh37 (hg19) VCF-style: chr10-112404316-C-A.
Other names: short protein forms P35H.
Identifiers: ClinVar variation 3313230 (VCV003313230.1).